The following is an entry in ClinVar:

ClinVar aggregate classification (germline): Uncertain significance. Review status: criteria provided, multiple submitters, no conflicts (2 of 4 stars). 2 submissions from 2 submitters: Uncertain significance (2). Last evaluated 2025-11-22.

Conditions:
Cardiovascular phenotype. Identifiers: MedGen CN230736.
Dilated cardiomyopathy 1JJ (CMD1JJ). Identifiers: Orphanet 154, MedGen C3808935, MONDO:0014095, OMIM 615235.

Allele frequency attached by ClinVar (database versions not stated): ExAC 0.00001; gnomAD exomes 0.00001; TOPMed 0.00001.
gnomAD v4.1: 13 of 1,614,122 alleles (0.00081%); highest among the groups gnomAD compares: Non-Finnish European, 0.0011%; no homozygotes.

Submissions (2):

Labcorp Genetics (formerly Invitae), Labcorp
Classification: Uncertain significance for Dilated cardiomyopathy 1JJ. Last evaluated: 2025-11-22. Review status: criteria provided, single submitter. Criteria: Invitae Variant Classification Sherloc (09022015). Collection method: clinical testing. Allele origin: germline.
Comment: This sequence change replaces phenylalanine, which is neutral and non-polar, with leucine, which is neutral and non-polar, at codon 831 of the LAMA4 protein (p.Phe831Leu). This variant is present in population databases (rs781920620, gnomAD 0.002%). This variant has not been reported in the literature in individuals affected with LAMA4-related conditions. ClinVar contains an entry for this variant (Variation ID: 951913). Invitae Evidence Modeling of protein sequence and biophysical properties (such as structural, functional, and spatial information, amino acid conservation, physicochemical variation, residue mobility, and thermodynamic stability) indicates that this missense variant is not expected to disrupt LAMA4 protein function with a negative predictive value of 80%. In summary, the available evidence is currently insufficient to determine the role of this variant in disease. Therefore, it has been classified as a Variant of Uncertain Significance.

Ambry Genetics
Classification: Uncertain significance for Cardiovascular phenotype. Last evaluated: 2024-12-13. Review status: criteria provided, single submitter. Criteria: Ambry Variant Classification Scheme 2023. Collection method: clinical testing. Allele origin: germline.
Comment: The p.F831L variant (also known as c.2493T>G), located in coding exon 19 of the LAMA4 gene, results from a T to G substitution at nucleotide position 2493. The phenylalanine at codon 831 is replaced by leucine, an amino acid with highly similar properties. This amino acid position is conserved. In addition, this alteration is predicted to be deleterious by in silico analysis. Based on the available evidence, the clinical significance of this variant remains unclear.

NM_001105206.3(LAMA4):c.2514T>G (p.Phe838Leu)

Gene: LAMA4 (laminin subunit alpha 4; minus strand). Cytogenetic location: 6q21.
Variant type: single nucleotide variant.
Coding change: c.2514T>G on transcript NM_001105206.3 (MANE Select); coding-DNA position 2514, T replaced by G.
Protein change: p.Phe838Leu; replaces phenylalanine 838 with leucine.
Molecular consequence: missense variant.
Genome position (GRCh38, 1-based): chr6:112,142,272, A>C on the plus strand (T>G on the coding strand, the complement: LAMA4 is on the minus strand). VCF-style: chr6-112142272-A-C. GRCh37 (hg19) VCF-style: chr6-112463474-A-C.
Other names: c.2493T>G, p.Phe831Leu (NM_001105207.3, NM_002290.5); c.2493T>G (NM_002290.3); short protein forms F838L, F831L.
Identifiers: ClinVar variation 951913 (VCV000951913.6), dbSNP rs781920620, ClinGen allele CA3965449.